The following is an entry in ClinVar:

NM_000059.4(BRCA2):c.67+719T>A

Gene: BRCA2 (BRCA2 DNA repair associated; plus strand). Cytogenetic location: 13q13.1.
Variant type: single nucleotide variant.
Coding change: c.67+719T>A on transcript NM_000059.4 (MANE Select); 719 bases into the intron after coding-DNA position 67, T replaced by A.
Molecular consequence: intron variant.
Genome position (GRCh38, 1-based): chr13:32,317,246, T>A. VCF-style: chr13-32317246-T-A. GRCh37 (hg19) VCF-style: chr13-32891383-T-A.
Identifiers: ClinVar variation 264884 (VCV000264884.1), dbSNP rs191749285, ClinGen allele CA10588065.
Genomic context (GRCh38, chr13:32,317,246, plus strand): 5'-ATGACTCTGTCTCAAAACAAACAAACAAACAAAAAACTAAGAATTTAAAGTTAATTTACT[T>A]AAAAATAATGAAAGCTAACCCATTGCATATTATCACAACATTCTTAGGAAAAATAACTTT-3'

ClinVar aggregate classification (germline): Benign (3 of 4 stars; one submission).

Conditions:
Breast-ovarian cancer, familial, susceptibility to, 2 (BROVCA2). Also called: BRCA2 Hereditary Breast and Ovarian Cancer. Identifiers: Orphanet 145, MedGen C2675520, MONDO:0012933, OMIM 612555. Disease mechanism: loss of function.

Allele frequency attached by ClinVar (database versions not stated): gnomAD 0.00314 and 0.00329; TOPMed 0.00354; 1000 Genomes Project 30x 0.00531; 1000 Genomes Project 0.00599.

Submission:

Evidence-based Network for the Interpretation of Germline Mutant Alleles (ENIGMA)
Classification: Benign for Breast-ovarian cancer, familial, susceptibility to, 2. Last evaluated: 2016-09-28. Review status: reviewed by expert panel. Criteria: ENIGMA BRCA1/2 Classification Criteria (2015). Collection method: curation. Allele origin: germline.
Comment: Class 1 not pathogenic based on frequency >1% in an outbred sampleset. Frequency 0.0227 (African), derived from 1000 genomes (2013-05-02).